The following is an entry in ClinVar:

NM_001378454.1(ALMS1):c.471T>C (p.Cys157=)

Gene: ALMS1 (ALMS1 centrosome and basal body associated protein; plus strand). Cytogenetic location: 2p13.1.
Variant type: single nucleotide variant.
Coding change: c.471T>C on transcript NM_001378454.1 (MANE Select); coding-DNA position 471, T replaced by C.
Protein change: p.Cys157=; no amino-acid change (cysteine 157 retained).
Molecular consequence: synonymous variant.
Genome position (GRCh38, 1-based): chr2:73,419,143, T>C. VCF-style: chr2-73419143-T-C. GRCh37 (hg19) VCF-style: chr2-73646271-T-C.
Other names: c.474T>C, p.Cys158= (NM_015120.4).
Identifiers: ClinVar variation 391447 (VCV000391447.21), dbSNP rs367648094, ClinGen allele CA1712865.

ClinVar aggregate classification (germline): Likely benign. Review status: criteria provided, multiple submitters, no conflicts (2 of 4 stars). 6 submissions from 6 submitters: Likely benign (6). Last evaluated 2026-02-01.

Conditions:
Cardiovascular phenotype. Identifiers: MedGen CN230736.
Alstrom syndrome (ALMS). Identifiers: Orphanet 64, MedGen C0268425, MONDO:0008763, OMIM 203800.

Allele frequency attached by ClinVar (database versions not stated): gnomAD exomes 0.00012 and 0.00030; gnomAD 0.00016 and 0.00017; ESP Exome Variant Server 0.00017; TOPMed 0.00018; ExAC 0.00022; 1000 Genomes Project 0.00080; 1000 Genomes Project 30x 0.00094.
gnomAD v4.1: 228 of 1,614,006 alleles (0.014%); highest among the groups gnomAD compares: East Asian, 0.042%; 2 homozygotes.

Submissions (6):

Labcorp Genetics (formerly Invitae), Labcorp
Classification: Likely benign for Alstrom syndrome. Last evaluated: 2026-02-01. Review status: criteria provided, single submitter. Criteria: Invitae Variant Classification Sherloc (09022015). Collection method: clinical testing. Allele origin: germline.

Blueprint Genetics
Classification: Likely benign. Last evaluated: 2024-10-16. Review status: criteria provided, single submitter. Criteria: ACMG Guidelines, 2015. Collection method: clinical testing. Allele origin: germline.

Fulgent Genetics
Classification: Likely benign for Alstrom syndrome. Last evaluated: 2021-10-26. Review status: criteria provided, single submitter. Criteria: ACMG Guidelines, 2015. Collection method: clinical testing. Allele origin: unknown.

GeneDx
Classification: Likely benign. Last evaluated: 2021-01-22. Review status: criteria provided, single submitter. Criteria: GeneDx Variant Classification Process June 2021. Collection method: clinical testing. Allele origin: germline. Affected: yes.

Ambry Genetics
Classification: Likely benign for Cardiovascular phenotype. Last evaluated: 2020-08-27. Review status: criteria provided, single submitter. Criteria: Ambry Variant Classification Scheme 2023. Collection method: clinical testing. Allele origin: germline.

Laboratory for Molecular Medicine, Mass General Brigham Personalized Medicine
Classification: Likely benign. Last evaluated: 2017-08-23. Review status: criteria provided, single submitter. Criteria: LMM Criteria. Collection method: clinical testing. Allele origin: germline. Observed: 1 variant allele.
Comment: p.Cys157Cys in exon 3 of ALMS1: This variant is not expected to have clinical si gnificance because it does not alter an amino acid residue and is not located wi thin the splice consensus sequence. It has been identified in 0.07% (6/8594) of East Asian chromosomes by the Exome Aggregation Consortium (ExAC; dbSNP rs367648094).